The following is an entry in ClinVar:

ClinVar aggregate classification (germline): Uncertain significance (1 of 4 stars; one submission).

gnomAD v4.1: 8 of 1,614,062 alleles (0.0005%); highest among the groups gnomAD compares: Non-Finnish European, 0.00068%; no homozygotes.

Submission:

Labcorp Genetics (formerly Invitae), Labcorp
Classification: Uncertain significance. Last evaluated: 2025-01-29. Review status: criteria provided, single submitter. Criteria: Invitae Variant Classification Sherloc (09022015). Collection method: clinical testing. Allele origin: germline.
Comment: This sequence change replaces threonine, which is neutral and polar, with serine, which is neutral and polar, at codon 650 of the NCKAP1L protein (p.Thr650Ser). This variant is present in population databases (rs768891866, gnomAD 0.002%). This variant has not been reported in the literature in individuals affected with NCKAP1L-related conditions. An algorithm developed to predict the effect of missense changes on protein structure and function (PolyPhen-2) suggests that this variant¬†is likely to be tolerated. In summary, the available evidence is currently insufficient to determine the role of this variant in disease. Therefore, it has been classified as a Variant of Uncertain Significance.

NM_005337.5(NCKAP1L):c.1949C>G (p.Thr650Ser)

Gene: NCKAP1L (NCK associated protein 1 like; plus strand). Cytogenetic location: 12q13.2.
Variant type: single nucleotide variant.
Coding change: c.1949C>G on transcript NM_005337.5 (MANE Select); coding-DNA position 1949, C replaced by G.
Protein change: p.Thr650Ser; replaces threonine 650 with serine.
Molecular consequence: missense variant.
Genome position (GRCh38, 1-based): chr12:54,523,464, C>G. VCF-style: chr12-54523464-C-G. GRCh37 (hg19) VCF-style: chr12-54917248-C-G.
Other names: c.1799C>G, p.Thr600Ser (NM_001184976.2); short protein forms T600S, T650S.
Identifiers: ClinVar variation 3686338 (VCV003686338.1).
Genomic context (GRCh38, chr12:54,523,464, plus strand): 5'-AGCACTGTGCCACTACAATCAGCAAAGCCAAGAACAAGAAAACCAGGAAGCAGAGGCAGA[C>G]TCCCAGAAAAGGAGAGCCCGAGAGGGACAAGCCAGGAGCTGAGAGTCACCGGAAGAACCG-3'
Protein context (NP_005328.2, residues 640-660): KNKKTRKQRQ[Thr650Ser]PRKGEPERDK